The following is an entry in ClinVar:

ClinVar aggregate classification (germline): Pathogenic/Likely pathogenic. Review status: criteria provided, multiple submitters, no conflicts (2 of 4 stars). 2 submissions from 2 submitters: Pathogenic (1); Likely pathogenic (1). Last evaluated 2025-04-08.
ClinVar aggregate classification (somatic clinical impact): Tier I - Strong (1 of 4 stars; one submission).

Conditions:
Neurofibromatosis, type 1 (NF1). Also called: Peripheral type neurofibromatosis; Neurofibromatosis, type I; VON RECKLINGHAUSEN DISEASE; NEUROFIBROMATOSIS, TYPE I, SOMATIC. Identifiers: Orphanet 636, MedGen C0027831, MONDO:0018975, OMIM 162200. Disease mechanism: loss of function.
Hereditary cancer-predisposing syndrome. Also called: Neoplastic Syndromes, Hereditary; Hereditary neoplastic syndrome; Tumor predisposition; Hereditary Cancer Syndrome. Identifiers: Orphanet 140162, MedGen C0027672, MeSH D009386, MONDO:0015356.
Cardiovascular phenotype. Identifiers: MedGen CN230736.
Diffuse pediatric-type high-grade glioma, H3-wildtype and IDH-wildtype. Identifiers: MedGen C5669918, MONDO:0858939.

Allele frequency attached by ClinVar (database versions not stated): gnomAD 0.00001.

Submissions (3):

Labcorp Genetics (formerly Invitae), Labcorp
Classification: Pathogenic for Neurofibromatosis, type 1. Last evaluated: 2025-04-08. Review status: criteria provided, single submitter. Criteria: Invitae Variant Classification Sherloc (09022015). Collection method: clinical testing. Allele origin: germline.
Comment: This sequence change replaces arginine, which is basic and polar, with lysine, which is basic and polar, at codon 1325 of the NF1 protein (p.Arg1325Lys). RNA analysis indicates that this missense change induces altered splicing and may result in an absent or altered protein product. This variant is not present in population databases (gnomAD no frequency). This missense change has been observed in individual(s) with neurofibromatosis type 1 (PMID: 17311297, 27838393). ClinVar contains an entry for this variant (Variation ID: 838318). An algorithm developed to predict the effect of missense changes on protein structure and function (PolyPhen-2) suggests that this variant is likely to be disruptive. Variants that disrupt the consensus splice site are a relatively common cause of aberrant splicing (PMID: 17576681, 9536098). Studies have shown that this missense change results in skipping of exon 29, and produces a non-functional protein and/or introduces a premature termination codon (internal data). For these reasons, this variant has been classified as Pathogenic.

Institute for Genomic Medicine (IGM) Clinical Laboratory, Nationwide Children's Hospital
Classification: Tier I - Strong for Diffuse pediatric-type high-grade glioma, H3-wildtype and IDH-wildtype. Assertion type: diagnostic. Clinical significance: supports diagnosis. Last evaluated: 2023-07-31. Review status: criteria provided, single submitter. Criteria: AMP/ASCO/CAP Guidelines, 2017. Collection method: clinical testing. Allele origin: somatic. Affected: yes.
Comment: Variant has Tier I (strong) clinical significance as a diagnostic inclusion criterion in diffuse pediatric-type high-grade glioma, H3-wildtype and IDH-wildtype, based on the following evidence: 1) Appears in one or more well-established professional guidelines (e.g., World Health Organization [WHO]; National Comprehensive Cancer Network [NCCN]) as providing diagnostic, prognostic, or therapeutic information. 2) Diagnostic for a specific tumor type/classification based on well-powered studies with expert-level consensus (Evidence Level B; PMIDs: 28966033, 24705251, 29763623, 28912153, 35332262).

Ambry Genetics
Classification: Likely pathogenic for Cardiovascular phenotype; Hereditary cancer-predisposing syndrome. Last evaluated: 2023-05-23. Review status: criteria provided, single submitter. Criteria: Ambry Variant Classification Scheme 2023. Collection method: clinical testing. Allele origin: germline.
Comment: The p.R1325K variant (also known as c.3974G>A), located in coding exon 29 of the NF1 gene, results from a G to A substitution at nucleotide position 3974. The arginine at codon 1325 is replaced by lysine, an amino acid with highly similar properties. However, this change occurs in the last base pair of coding exon 29, which makes it likely to have some effect on normal mRNA splicing. This alteration has been observed in individuals with a personal history of Neurofibromatosis type I (Wimmer K et al. Hum Mutat, 2007 Jun;28:599-612; Cal&igrave; F et al. Eur J Med Genet, 2017 Feb;60:93-99; Giugliano T et al. Genes (Basel), 2019 Jul;10:). This variant is considered to be rare based on population cohorts in the Genome Aggregation Database (gnomAD). This nucleotide position is highly conserved in available vertebrate species. This amino acid position is highly conserved in available vertebrate species. In silico splice site analysis predicts that this alteration will weaken the native splice donor site. In addition, as a missense substitution this is predicted to be inconclusive by in silico analysis. Based on the majority of available evidence to date, this variant is likely to be pathogenic.

Literature cited by the submitters: PubMed 17311297 (cited by Labcorp Genetics (formerly Invitae), Labcorp); PubMed 27838393 (cited by Labcorp Genetics (formerly Invitae), Labcorp); PubMed 17576681 (cited by Labcorp Genetics (formerly Invitae), Labcorp); PubMed 9536098 (cited by Labcorp Genetics (formerly Invitae), Labcorp); PubMed 28966033 (cited by Institute for Genomic Medicine (IGM) Clinical Laboratory, Nationwide Children's Hospital); PubMed 24705251 (cited by Institute for Genomic Medicine (IGM) Clinical Laboratory, Nationwide Children's Hospital); PubMed 29763623 (cited by Institute for Genomic Medicine (IGM) Clinical Laboratory, Nationwide Children's Hospital); PubMed 28912153 (cited by Institute for Genomic Medicine (IGM) Clinical Laboratory, Nationwide Children's Hospital); PubMed 35332262 (cited by Institute for Genomic Medicine (IGM) Clinical Laboratory, Nationwide Children's Hospital).

NM_001042492.3(NF1):c.3974G>A (p.Arg1325Lys)

Gene: NF1 (neurofibromin 1; plus strand). Cytogenetic location: 17q11.2.
Variant type: single nucleotide variant.
Coding change: c.3974G>A on transcript NM_001042492.3 (MANE Select); coding-DNA position 3974, G replaced by A.
Protein change: p.Arg1325Lys; replaces arginine 1325 with lysine.
Molecular consequence: missense variant.
Genome position (GRCh38, 1-based): chr17:31,236,021, G>A. VCF-style: chr17-31236021-G-A. GRCh37 (hg19) VCF-style: chr17-29563039-G-A.
Other names: c.3974G>A, p.Arg1325Lys (NM_000267.4); short protein forms R1325K.
Identifiers: ClinVar variation 838318 (VCV000838318.8), dbSNP rs863224447, ClinGen allele CA398993354.